The following is an entry in ClinVar:

ClinVar aggregate classification (germline): Conflicting classifications of pathogenicity. Review status: criteria provided, conflicting classifications (1 of 4 stars). 2 submissions from 2 submitters: Uncertain significance (1); Likely benign (1). Last evaluated 2025-03-29.

Conditions:
Cardiovascular phenotype. Identifiers: MedGen CN230736.
Dilated cardiomyopathy 1DD (CMD1DD). Identifiers: Orphanet 154, MedGen C2750995, MONDO:0013168, OMIM 613172.

Allele frequency attached by ClinVar (database versions not stated): gnomAD exomes below 0.00001; TOPMed below 0.00001.
gnomAD v4.1: 2 of 1,551,676 alleles (0.00013%); highest among the groups gnomAD compares: Admixed American, 0.0039%; no homozygotes.

Submissions (2):

Labcorp Genetics (formerly Invitae), Labcorp
Classification: Likely benign for Dilated cardiomyopathy 1DD. Last evaluated: 2025-03-29. Review status: criteria provided, single submitter. Criteria: Invitae Variant Classification Sherloc (09022015). Collection method: clinical testing. Allele origin: germline.

Ambry Genetics
Classification: Uncertain significance for Cardiovascular phenotype. Last evaluated: 2024-11-23. Review status: criteria provided, single submitter. Criteria: Ambry Variant Classification Scheme 2023. Collection method: clinical testing. Allele origin: germline.
Comment: The p.K233R variant (also known as c.698A>G), located in coding exon 2 of the RBM20 gene, results from an A to G substitution at nucleotide position 698. The lysine at codon 233 is replaced by arginine, an amino acid with highly similar properties. This amino acid position is conserved. In addition, this alteration is predicted to be tolerated by in silico analysis. Based on the available evidence, the clinical significance of this variant remains unclear.

NM_001134363.3(RBM20):c.698A>G (p.Lys233Arg)

Gene: RBM20 (RNA binding motif protein 20; plus strand). Cytogenetic location: 10q25.2.
Variant type: single nucleotide variant.
Coding change: c.698A>G on transcript NM_001134363.3 (MANE Select); coding-DNA position 698, A replaced by G.
Protein change: p.Lys233Arg; replaces lysine 233 with arginine.
Molecular consequence: missense variant.
Genome position (GRCh38, 1-based): chr10:110,781,307, A>G. VCF-style: chr10-110781307-A-G. GRCh37 (hg19) VCF-style: chr10-112541065-A-G.
Other names: short protein forms K233R.
Identifiers: ClinVar variation 2721831 (VCV002721831.4), dbSNP rs1006368552, ClinGen allele CA213234800.